The following is an entry in ClinVar:

ClinVar aggregate classification (germline): Pathogenic (1 of 4 stars; one submission).

Conditions:
Neurofibromatosis, type 1 (NF1). Also called: Neurofibromatosis, type I; VON RECKLINGHAUSEN DISEASE; NEUROFIBROMATOSIS, TYPE I, SOMATIC; Peripheral type neurofibromatosis. Identifiers: Orphanet 636, MedGen C0027831, MONDO:0018975, OMIM 162200. Disease mechanism: loss of function.

Submission:

Labcorp Genetics (formerly Invitae), Labcorp
Classification: Pathogenic for Neurofibromatosis, type 1. Last evaluated: 2023-02-26. Review status: criteria provided, single submitter. Criteria: Invitae Variant Classification Sherloc (09022015). Collection method: clinical testing. Allele origin: germline.
Comment: This variant has not been reported in the literature in individuals affected with NF1-related conditions. For these reasons, this variant has been classified as Pathogenic. This variant is not present in population databases (gnomAD no frequency). This sequence change creates a premature translational stop signal (p.His588Ilefs*17) in the NF1 gene. It is expected to result in an absent or disrupted protein product. Loss-of-function variants in NF1 are known to be pathogenic (PMID: 10712197, 23913538).

Literature cited by the submitters: PubMed 10712197; PubMed 23913538.

NM_001042492.3(NF1):c.1761del (p.His588fs)

Gene: NF1 (neurofibromin 1; plus strand). Cytogenetic location: 17q11.2.
Variant type: Deletion.
Coding change: c.1761del on transcript NM_001042492.3 (MANE Select); coding-DNA position 1761, one base deleted (T; older notation c.1761delT).
Protein change: p.His588fs; shifts the reading frame from histidine 588.
Molecular consequence: frameshift variant.
Genome position (GRCh38, 1-based): chr17:31,223,483, T deleted. VCF-style (leftmost placement, unchanged base first): chr17-31223482-GT-G. GRCh37 (hg19) VCF-style: chr17-29550500-GT-G.
Other names: c.1761delT, p.His588Ilefs (NM_000267.4); short protein forms H588fs.
Identifiers: ClinVar variation 2841122 (VCV002841122.3), dbSNP rs2508125390, ClinGen allele CA2739267501.